The following is an entry in ClinVar:

NM_001018111.3(PODXL):c.1652A>G (p.Asp551Gly)

Gene: PODXL (podocalyxin like; minus strand). Cytogenetic location: 7q32.3.
Variant type: single nucleotide variant.
Coding change: c.1652A>G on transcript NM_001018111.3 (MANE Select); coding-DNA position 1652, A replaced by G.
Protein change: p.Asp551Gly; replaces aspartic acid 551 with glycine.
Molecular consequence: missense variant.
Genome position (GRCh38, 1-based): chr7:131,504,336, T>C on the plus strand (A>G on the coding strand, the complement: PODXL is on the minus strand). VCF-style: chr7-131504336-T-C. GRCh37 (hg19) VCF-style: chr7-131189095-T-C.
Other names: c.1556A>G, p.Asp519Gly (NM_005397.4); short protein forms D519G, D551G.
Identifiers: ClinVar variation 2568607 (VCV002568607.5), dbSNP rs751188807, ClinGen allele CA4488297.

ClinVar aggregate classification (germline): Uncertain significance. Review status: criteria provided, multiple submitters, no conflicts (2 of 4 stars). 2 submissions from 2 submitters: Uncertain significance (2). Last evaluated 2023-07-25.

Conditions:
Inborn genetic diseases. Identifiers: MedGen C0950123, MeSH D030342.

Allele frequency attached by ClinVar (database versions not stated): gnomAD exomes 0.00002; ExAC 0.00003.

Submissions (2):

Labcorp Genetics (formerly Invitae), Labcorp
Classification: Uncertain significance. Last evaluated: 2023-07-25. Review status: criteria provided, single submitter. Criteria: Invitae Variant Classification Sherloc (09022015). Collection method: clinical testing. Allele origin: germline.
Comment: This variant has not been reported in the literature in individuals affected with PODXL-related conditions. This variant is present in population databases (rs751188807, gnomAD 0.006%). This sequence change replaces aspartic acid, which is acidic and polar, with glycine, which is neutral and non-polar, at codon 519 of the PODXL protein (p.Asp519Gly). ClinVar contains an entry for this variant (Variation ID: 2568607). In summary, the available evidence is currently insufficient to determine the role of this variant in disease. Therefore, it has been classified as a Variant of Uncertain Significance. Algorithms developed to predict the effect of sequence changes on RNA splicing suggest that this variant may create or strengthen a splice site. An algorithm developed to predict the effect of missense changes on protein structure and function (PolyPhen-2) suggests that this variant is likely to be disruptive.

Ambry Genetics
Classification: Uncertain significance for Inborn genetic diseases. Last evaluated: 2023-05-24. Review status: criteria provided, single submitter. Criteria: Ambry Variant Classification Scheme 2023. Collection method: clinical testing. Allele origin: germline.